The following is an entry in ClinVar:

NM_198576.4(AGRN):c.2088G>A (p.Glu696=)

Gene: AGRN (agrin; plus strand). Cytogenetic location: 1p36.33.
Variant type: single nucleotide variant.
Coding change: c.2088G>A on transcript NM_198576.4 (MANE Select); coding-DNA position 2088, G replaced by A.
Protein change: p.Glu696=; no amino-acid change (glutamic acid 696 retained).
Molecular consequence: synonymous variant.
Genome position (GRCh38, 1-based): chr1:1,044,197, G>A. VCF-style: chr1-1044197-G-A. GRCh37 (hg19) VCF-style: chr1-979577-G-A.
Other names: p.Glu696=; c.2088G>A, p.Glu696= (NM_001305275.2); c.1773G>A, p.Glu591= (NM_001364727.2).
Identifiers: ClinVar variation 4684307 (VCV004684307.1).
Genomic context (GRCh38, chr1:1,044,197, plus strand): 5'-TGGGGAGGACGGTGACTGTGAGCAGGAGCTGTGCCGGCAGCGCGGTGGCATCTGGGACGA[G>A]GACTCGGAGGACGGGCCGTGTGTCTGTGACTTCAGCTGCCAGAGTGTCCCAGGCAGCCCG-3'
Protein context (NP_940978.2, residues 686-706): LCRQRGGIWD[Glu696=]DSEDGPCVCD

ClinVar aggregate classification (germline): Likely benign (1 of 4 stars; one submission).

Submission:

Mayo Clinic Laboratories, Mayo Clinic
Classification: Likely benign. Last evaluated: 2025-11-26. Review status: criteria provided, single submitter. Criteria: ACMG Guidelines, 2015. Collection method: clinical testing. Allele origin: germline. Observed: 1 variant allele.
Comment: BP4, BP7